The following is an entry in ClinVar:

NM_015719.4(COL5A3):c.1473C>T (p.Gly491=)

Gene: COL5A3 (collagen type V alpha 3 chain; minus strand). Cytogenetic location: 19p13.2.
Variant type: single nucleotide variant.
Coding change: c.1473C>T on transcript NM_015719.4 (MANE Select); coding-DNA position 1473, C replaced by T.
Protein change: p.Gly491=; no amino-acid change (glycine 491 retained).
Molecular consequence: synonymous variant.
Genome position (GRCh38, 1-based): chr19:9,996,212, G>A on the plus strand (C>T on the coding strand, the complement: COL5A3 is on the minus strand). VCF-style: chr19-9996212-G-A. GRCh37 (hg19) VCF-style: chr19-10106888-G-A.
Identifiers: ClinVar variation 2649278 (VCV002649278.24), dbSNP rs376431609, ClinGen allele CA9183420.

ClinVar aggregate classification (germline): Likely benign (1 of 4 stars; one submission).

Allele frequency attached by ClinVar (database versions not stated): ESP Exome Variant Server 0.00008; ExAC 0.00012; gnomAD 0.00019; TOPMed 0.00020; gnomAD exomes 0.00029.
gnomAD v4.1: 448 of 1,574,270 alleles (0.028%); highest among the groups gnomAD compares: Non-Finnish European, 0.035%; no homozygotes.

Submission:

CeGaT Center for Human Genetics Tuebingen
Classification: Likely benign. Last evaluated: 2022-11-01. Review status: criteria provided, single submitter. Criteria: CeGaT Center For Human Genetics Tuebingen Variant Classification Criteria Version 2. Collection method: clinical testing. Allele origin: germline. Affected: yes. Observed: 1 variant allele.
Comment: COL5A3: BP4, BP7